The following is an entry in ClinVar:

ClinVar aggregate classification (germline): Uncertain significance (1 of 4 stars; one submission).

Allele frequency attached by ClinVar (database versions not stated): TOPMed 0.00001.
gnomAD v4.1: 1 of 1,614,154 alleles (0.000062%); highest among the groups gnomAD compares: Admixed American, 0.0017%; no homozygotes.

Submission:

Labcorp Genetics (formerly Invitae), Labcorp
Classification: Uncertain significance. Last evaluated: 2023-05-22. Review status: criteria provided, single submitter. Criteria: Invitae Variant Classification Sherloc (09022015). Collection method: clinical testing. Allele origin: germline.
Comment: This variant has not been reported in the literature in individuals affected with ALPK3-related conditions. An algorithm developed to predict the effect of missense changes on protein structure and function (PolyPhen-2) suggests that this variant is likely to be disruptive. In summary, the available evidence is currently insufficient to determine the role of this variant in disease. Therefore, it has been classified as a Variant of Uncertain Significance. This sequence change replaces isoleucine, which is neutral and non-polar, with valine, which is neutral and non-polar, at codon 362 of the ALPK3 protein (p.Ile362Val). This variant is present in population databases (no rsID available, gnomAD 0.003%).

NM_020778.5(ALPK3):c.478A>G (p.Ile160Val)

Gene: ALPK3 (alpha kinase 3; plus strand). Cytogenetic location: 15q25.3.
Variant type: single nucleotide variant.
Coding change: c.478A>G on transcript NM_020778.5 (MANE Select); coding-DNA position 478, A replaced by G.
Protein change: p.Ile160Val; replaces isoleucine 160 with valine.
Molecular consequence: missense variant.
Genome position (GRCh38, 1-based): chr15:84,839,757, A>G. VCF-style: chr15-84839757-A-G. GRCh37 (hg19) VCF-style: chr15-85382988-A-G.
Other names: short protein forms I160V.
Identifiers: ClinVar variation 2975474 (VCV002975474.3), dbSNP rs1220473903, ClinGen allele CA393372569.